The following is an entry in ClinVar:

NM_080424.4(SP110):c.317T>C (p.Val106Ala)

Genes: SP140 (SP140 nuclear body protein; plus strand), SP110 (SP110 nuclear body protein; minus strand). Cytogenetic location: 2q37.1.
Variant type: single nucleotide variant.
Coding change: c.317T>C on transcript NM_080424.4 (MANE Select); coding-DNA position 317, T replaced by C.
Protein change: p.Val106Ala; replaces valine 106 with alanine.
Molecular consequence: missense variant.
Genome position (GRCh38, 1-based): chr2:230,213,027, A>G on the plus strand (T>C on the coding strand, the complement: SP110 is on the minus strand). VCF-style: chr2-230213027-A-G. GRCh37 (hg19) VCF-style: chr2-231077742-A-G.
Other names: c.335T>C, p.Val112Ala (NM_001185015.2, NM_001378442.1, NM_001378444.1 and 2 more transcripts); c.317T>C, p.Val106Ala (NM_001378443.1, NM_001378447.1, NM_004509.5 and 1 more transcripts); short protein forms V112A, V106A.
Identifiers: ClinVar variation 1475894 (VCV001475894.6), dbSNP rs768821081, ClinGen allele CA2154854.

ClinVar aggregate classification (germline): Uncertain significance (1 of 4 stars; one submission).

Conditions:
Hepatic veno-occlusive disease-immunodeficiency syndrome. Also called: Hepatic Veno-Occlusive Disease with Immunodeficiency. Identifiers: Orphanet 79124, MedGen C1856128, MONDO:0009338, OMIM 235550. Disease mechanism: loss of function.

Allele frequency attached by ClinVar (database versions not stated): ExAC 0.00001; gnomAD exomes 0.00001; gnomAD 0.00002; TOPMed 0.00003.
gnomAD v4.1: 11 of 1,613,724 alleles (0.00068%); highest among the groups gnomAD compares: African/African-American, 0.0094%; no homozygotes.

Submission:

Labcorp Genetics (formerly Invitae), Labcorp
Classification: Uncertain significance for Hepatic veno-occlusive disease-immunodeficiency syndrome. Last evaluated: 2022-07-25. Review status: criteria provided, single submitter. Criteria: Invitae Variant Classification Sherloc (09022015). Collection method: clinical testing. Allele origin: germline.
Comment: Algorithms developed to predict the effect of missense changes on protein structure and function output the following: SIFT: "Tolerated"; PolyPhen-2: "Possibly Damaging"; Align-GVGD: "Class C0". The alanine amino acid residue is found in multiple mammalian species, which suggests that this missense change does not adversely affect protein function. ClinVar contains an entry for this variant (Variation ID: 1475894). This variant has not been reported in the literature in individuals affected with SP110-related conditions. This variant is present in population databases (rs768821081, gnomAD 0.01%). This sequence change replaces valine, which is neutral and non-polar, with alanine, which is neutral and non-polar, at codon 106 of the SP110 protein (p.Val106Ala). In summary, the available evidence is currently insufficient to determine the role of this variant in disease. Therefore, it has been classified as a Variant of Uncertain Significance.